The following is an entry in ClinVar:

NM_001103.4(ACTN2):c.1984C>G (p.Arg662Gly)

Gene: ACTN2 (actinin alpha 2; plus strand). Cytogenetic location: 1q43.
Variant type: single nucleotide variant.
Coding change: c.1984C>G on transcript NM_001103.4 (MANE Select); coding-DNA position 1984, C replaced by G.
Protein change: p.Arg662Gly; replaces arginine 662 with glycine.
Molecular consequence: missense variant.
Genome position (GRCh38, 1-based): chr1:236,755,028, C>G. VCF-style: chr1-236755028-C-G. GRCh37 (hg19) VCF-style: chr1-236918328-C-G.
Other names: c.1984C>G, p.Arg662Gly (NM_001278343.2); c.1360C>G, p.Arg454Gly (NM_001278344.2); short protein forms R454G, R662G.
Identifiers: ClinVar variation 1163698 (VCV001163698.15), dbSNP rs150021739, ClinGen allele CA345387403.
Genomic context (GRCh38, chr1:236,755,028, plus strand): 5'-GAGGGCACTTCACTCTGCTTCTCTCTCTGCTTGCTCACTCGCCCCCCTCAGGAGATTGCC[C>G]GGAGCTCCATCCAGATCACAGGAGCCCTGGAAGACCAGATGAACCAGCTGAAGCAGTATG-3'
Protein context (NP_001094.1, residues 652-672): WIQNKMEEIA[Arg662Gly]SSIQITGALE

ClinVar aggregate classification (germline): Conflicting classifications of pathogenicity. Review status: criteria provided, conflicting classifications (1 of 4 stars). 3 submissions from 3 submitters: Uncertain significance (2); Benign (1). Last evaluated 2025-12-29.

Conditions:
Dilated cardiomyopathy 1AA (CMD1AA). Also called: CARDIOMYOPATHY, DILATED, 1AA, WITH OR WITHOUT LEFT VENTRICULAR NONCOMPACTION; CARDIOMYOPATHY, FAMILIAL HYPERTROPHIC, 23, WITH OR WITHOUT LEFT VENTRICULAR NONCOMPACTION; Cardiomyopathy, dilated, 1AA, with or without LVNC. Identifiers: Orphanet 154, MedGen C2677338, MONDO:0012808, OMIM 612158.
Primary familial hypertrophic cardiomyopathy (HCM). Identifiers: Orphanet 99739, MedGen C0949658, MeSH D024741, MONDO:0024573. Inheritance: Various modes of inheritance.
Cardiovascular phenotype. Identifiers: MedGen CN230736.

gnomAD v4.1: 4 of 1,614,050 alleles (0.00025%); highest among the groups gnomAD compares: African/African-American, 0.0053%; no homozygotes.

Submissions (3):

Labcorp Genetics (formerly Invitae), Labcorp
Classification: Benign for Primary familial hypertrophic cardiomyopathy; Dilated cardiomyopathy 1AA. Last evaluated: 2025-12-29. Review status: criteria provided, single submitter. Criteria: Invitae Variant Classification Sherloc (09022015). Collection method: clinical testing. Allele origin: germline.

Ambry Genetics
Classification: Uncertain significance for Cardiovascular phenotype. Last evaluated: 2025-11-10. Review status: criteria provided, single submitter. Criteria: Ambry Variant Classification Scheme 2023. Collection method: clinical testing. Allele origin: germline.
Comment: The p.R662G variant (also known as c.1984C>G), located in coding exon 17 of the ACTN2 gene, results from a C to G substitution at nucleotide position 1984. The arginine at codon 662 is replaced by glycine, an amino acid with dissimilar properties. This amino acid position is well conserved in available vertebrate species. In addition, this alteration is predicted to be tolerated by in silico analysis. Since supporting evidence is limited at this time, the clinical significance of this alteration remains unclear.

Mayo Clinic Laboratories, Mayo Clinic
Classification: Uncertain significance. Last evaluated: 2020-09-10. Review status: criteria provided, single submitter. Criteria: ACMG Guidelines, 2015. Collection method: clinical testing. Allele origin: germline. Observed: 1 variant allele.